The following is an entry in ClinVar:

ClinVar aggregate classification (germline): Conflicting classifications of pathogenicity. Review status: criteria provided, conflicting classifications (1 of 4 stars). 4 submissions from 4 submitters: Uncertain significance (1); Likely benign (3). Last evaluated 2025-03-04.

Conditions:
Emery-Dreifuss muscular dystrophy 5, autosomal dominant (EDMD5). Also called: EMERY-DREIFUSS MUSCULAR DYSTROPHY 5. Identifiers: Orphanet 261, MedGen C2751805, MONDO:0013072, OMIM 612999.

Allele frequency attached by ClinVar (database versions not stated): gnomAD exomes 0.00006 and 0.00014; ExAC 0.00008; ESP Exome Variant Server 0.00008; TOPMed 0.00009; gnomAD 0.00010 and 0.00011.
gnomAD v4.1: 102 of 1,614,036 alleles (0.0063%); highest among the groups gnomAD compares: Admixed American, 0.017%; no homozygotes.

Submissions (4):

Labcorp Genetics (formerly Invitae), Labcorp
Classification: Likely benign for Emery-Dreifuss muscular dystrophy 5, autosomal dominant. Last evaluated: 2025-03-04. Review status: criteria provided, single submitter. Criteria: Invitae Variant Classification Sherloc (09022015). Collection method: clinical testing. Allele origin: germline.

Ambry Genetics
Classification: Uncertain significance. Last evaluated: 2022-10-03. Review status: criteria provided, single submitter. Criteria: Ambry Variant Classification Scheme 2023. Collection method: clinical testing. Allele origin: germline.

Athena Diagnostics
Classification: Likely benign. Last evaluated: 2020-10-15. Review status: criteria provided, single submitter. Criteria: Athena Diagnostics criteria. Collection method: clinical testing. Allele origin: unknown.

Illumina Laboratory Services, Illumina
Classification: Likely benign for Emery-Dreifuss muscular dystrophy 5, autosomal dominant. Last evaluated: 2018-01-13. Review status: criteria provided, single submitter. Criteria: ICSL Variant Classification Criteria 13 December 2019. Collection method: clinical testing. Allele origin: germline.
Comment: This variant was observed in the ICSL laboratory as part of a predisposition screen in an ostensibly healthy population. It had not been previously curated by ICSL or reported in the Human Gene Mutation Database (HGMD: prior to June 1st, 2018), and was therefore a candidate for classification through an automated scoring system. Utilizing variant allele frequency, disease prevalence and penetrance estimates, and inheritance mode, an automated score was calculated to assess if this variant is too frequent to cause the disease. Based on the score and internal cut-off values, a variant classified as likely benign is not then subjected to further curation. The score for this variant resulted in a classification of likely benign for this disease.

NM_182914.3(SYNE2):c.12056T>G (p.Phe4019Cys)

Gene: SYNE2 (spectrin repeat containing nuclear envelope protein 2; plus strand). Cytogenetic location: 14q23.2.
Variant type: single nucleotide variant.
Coding change: c.12056T>G on transcript NM_182914.3 (MANE Select); coding-DNA position 12056, T replaced by G.
Protein change: p.Phe4019Cys; replaces phenylalanine 4019 with cysteine.
Molecular consequence: missense variant.
Genome position (GRCh38, 1-based): chr14:64,093,428, T>G. VCF-style: chr14-64093428-T-G. GRCh37 (hg19) VCF-style: chr14-64560146-T-G.
Other names: c.12056T>G, p.Phe4019Cys (NM_015180.6); short protein forms F4019C.
Identifiers: ClinVar variation 703960 (VCV000703960.16), dbSNP rs150105416, ClinGen allele CA7221984.
Genomic context (GRCh38, chr14:64,093,428, plus strand): 5'-ATGAATGGGATGAAGAAATAGAAAATTTGAAACAGATCTTAAATAATTATTCAGCTCAGT[T>G]CTCCCTTGAACATATGTCACCAGACCAAGCTGACAAGCTGCCACAACTACAGGTATGTTT-3'
Protein context (NP_878918.2, residues 4009-4029): KQILNNYSAQ[Phe4019Cys]SLEHMSPDQA